The following is an entry in ClinVar:

ClinVar aggregate classification (germline): Uncertain significance (1 of 4 stars; one submission).

Conditions:
Werner syndrome (WRN). Identifiers: Orphanet 902, MedGen C0043119, MONDO:0010196, OMIM 277700.

Submission:

Labcorp Genetics (formerly Invitae), Labcorp
Classification: Uncertain significance for Werner syndrome. Last evaluated: 2022-03-07. Review status: criteria provided, single submitter. Criteria: Invitae Variant Classification Sherloc (09022015). Collection method: clinical testing. Allele origin: germline.
Comment: This sequence change replaces glycine, which is neutral and non-polar, with glutamic acid, which is acidic and polar, at codon 76 of the WRN protein (p.Gly76Glu). This variant is not present in population databases (gnomAD no frequency). This variant has not been reported in the literature in individuals affected with WRN-related conditions. Algorithms developed to predict the effect of missense changes on protein structure and function are either unavailable or do not agree on the potential impact of this missense change (SIFT: "Not Available"; PolyPhen-2: "Probably Damaging"; Align-GVGD: "Not Available"). Algorithms developed to predict the effect of sequence changes on RNA splicing suggest that this variant may create or strengthen a splice site. In summary, the available evidence is currently insufficient to determine the role of this variant in disease. Therefore, it has been classified as a Variant of Uncertain Significance.

NM_000553.6(WRN):c.227G>A (p.Gly76Glu)

Gene: WRN (WRN RecQ like helicase; plus strand). Cytogenetic location: 8p12.
Variant type: single nucleotide variant.
Coding change: c.227G>A on transcript NM_000553.6 (MANE Select); coding-DNA position 227, G replaced by A.
Protein change: p.Gly76Glu; replaces glycine 76 with glutamic acid.
Molecular consequence: missense variant.
Genome position (GRCh38, 1-based): chr8:31,064,306, G>A. VCF-style: chr8-31064306-G-A. GRCh37 (hg19) VCF-style: chr8-30921822-G-A.
Other names: short protein forms G76E.
Identifiers: ClinVar variation 2103118 (VCV002103118.4), dbSNP rs2130032050, ClinGen allele CA370913863.